The following is an entry in ClinVar:

NM_006201.5(CDK16):c.781C>T (p.His261Tyr)

Gene: CDK16 (cyclin dependent kinase 16; plus strand). Cytogenetic location: Xp11.3.
Variant type: single nucleotide variant.
Coding change: c.781C>T on transcript NM_006201.5 (MANE Select); coding-DNA position 781, C replaced by T.
Protein change: p.His261Tyr; replaces histidine 261 with tyrosine.
Molecular consequence: missense variant.
Genome position (GRCh38, 1-based): chrX:47,226,016, C>T. VCF-style: chrX-47226016-C-T. GRCh37 (hg19) VCF-style: chrX-47085415-C-T.
Other names: c.1003C>T, p.His335Tyr (NM_001170460.2); c.799C>T, p.His267Tyr (NM_033018.4); short protein forms H261Y, H267Y, H335Y.
Identifiers: ClinVar variation 3044995 (VCV003044995.2), dbSNP rs149245456, ClinGen allele CA10396484.

ClinVar aggregate classification (germline): Benign (0 of 4 stars; one submission).

Conditions:
CDK16-related disorder. Also called: CDK16-related condition.

Allele frequency attached by ClinVar (database versions not stated): ESP Exome Variant Server 0.00009; gnomAD exomes 0.00059; gnomAD 0.00068; TOPMed 0.00087; ExAC 0.00171; 1000 Genomes Project 30x 0.00499; 1000 Genomes Project 0.00583.

Submission:

PreventionGenetics, part of Exact Sciences
Classification: Benign for CDK16-related condition. Last evaluated: 2019-12-06. Review status: no assertion criteria provided. Collection method: clinical testing. Allele origin: germline.
Comment: This variant is classified as benign based on ACMG/AMP sequence variant interpretation guidelines (Richards et al. 2015 PMID: 25741868, with internal and published modifications).